The following is an entry in ClinVar:

NM_004817.4(TJP2):c.79C>G (p.Leu27Val)

Gene: TJP2 (tight junction protein 2; plus strand). Cytogenetic location: 9q21.11.
Variant type: single nucleotide variant.
Coding change: c.79C>G on transcript NM_004817.4 (MANE Select); coding-DNA position 79, C replaced by G.
Protein change: p.Leu27Val; replaces leucine 27 with valine.
Molecular consequence: missense variant.
Genome position (GRCh38, 1-based): chr9:69,212,566, C>G. VCF-style: chr9-69212566-C-G. GRCh37 (hg19) VCF-style: chr9-71827482-C-G.
Other names: c.10C>G, p.Leu4Val (NM_001170414.2, NM_001369870.1, NM_001369871.1); c.91C>G, p.Leu31Val (NM_001170415.1, NM_001369874.1, NM_001369875.1); c.172C>G, p.Leu58Val (NM_001170416.2); c.79C>G, p.Leu27Val (NM_001369872.1, NM_001369873.1, NM_201629.3); short protein forms L31V, L27V, L58V, L4V.
Identifiers: ClinVar variation 2460165 (VCV002460165.5), dbSNP rs145628692, ClinGen allele CA5072895.

ClinVar aggregate classification (germline): Uncertain significance. Review status: criteria provided, multiple submitters, no conflicts (2 of 4 stars). 2 submissions from 2 submitters: Uncertain significance (2). Last evaluated 2025-09-12.

Conditions:
Inborn genetic diseases. Identifiers: MedGen C0950123, MeSH D030342.

Allele frequency attached by ClinVar (database versions not stated): ExAC 0.00005; ESP Exome Variant Server 0.00038.
gnomAD v4.1: 46 of 1,613,138 alleles (0.0029%); highest among the groups gnomAD compares: African/African-American, 0.052%; no homozygotes.

Submissions (2):

GeneDx
Classification: Uncertain significance. Last evaluated: 2025-09-12. Review status: criteria provided, single submitter. Criteria: GeneDx Variant Classification Process June 2021. Collection method: clinical testing. Allele origin: germline.
Comment: In silico analysis suggests that this missense variant does not alter protein structure/function; Has not been previously published as pathogenic or benign to our knowledge

Ambry Genetics
Classification: Uncertain significance for Inborn genetic diseases. Last evaluated: 2025-04-11. Review status: criteria provided, single submitter. Criteria: Ambry Variant Classification Scheme 2023. Collection method: clinical testing. Allele origin: germline.